The following is an entry in ClinVar:

ClinVar aggregate classification (germline): Uncertain significance (1 of 4 stars; one submission).

Submission:

Ambry Genetics
Classification: Uncertain significance. Last evaluated: 2026-07-13. Review status: criteria provided, single submitter. Criteria: Ambry Variant Classification Scheme 2023. Collection method: clinical testing. Allele origin: germline.
Comment: The p.K110R variant (also known as c.329A>G), located in coding exon 3 of the KIF1B gene, results from an A to G substitution at nucleotide position 329. The lysine at codon 110 is replaced by arginine, an amino acid with highly similar properties. This amino acid position is conserved. In addition, this alteration is predicted to be tolerated by in silico analysis. Based on the available evidence, the clinical significance of this variant remains unclear.

NM_001365951.3(KIF1B):c.329A>G (p.Lys110Arg)

Gene: KIF1B (kinesin family member 1B; plus strand). Cytogenetic location: 1p36.22.
Variant type: single nucleotide variant.
Coding change: c.329A>G on transcript NM_001365951.3 (MANE Select); coding-DNA position 329, A replaced by G.
Protein change: p.Lys110Arg; replaces lysine 110 with arginine.
Molecular consequence: missense variant.
Genome position (GRCh38, 1-based): chr1:10,258,638, A>G. VCF-style: chr1-10258638-A-G. GRCh37 (hg19) VCF-style: chr1-10318696-A-G.
Other names: c.329A>G, p.Lys110Arg (NM_001365952.1, NM_001365953.1, NM_015074.3 and 1 more transcripts); short protein forms K110R.
Identifiers: ClinVar variation 5023192 (VCV005023192.1).